The following is an entry in ClinVar:

ClinVar aggregate classification (germline): Pathogenic. Review status: criteria provided, multiple submitters, no conflicts (2 of 4 stars). 2 submissions from 2 submitters: Pathogenic (2). Last evaluated 2025-03-31.

Conditions:
MC4R-related disorder. Also called: MC4R-related condition.
Obesity, autosomal dominant. Identifiers: MedGen CN233047.

Submissions (2):

PreventionGenetics, part of Exact Sciences
Classification: Pathogenic for MC4R-related condition. Last evaluated: 2025-03-31. Review status: criteria provided, single submitter. Criteria: ACMG Guidelines, 2015. Collection method: clinical testing. Allele origin: germline.
Comment: The MC4R c.206T>G variant is predicted to result in the amino acid substitution p.Ile69Arg. This variant is alternatively referred to as I69R in the literature. It has been reported in several individuals with morbid/severe obesity - segregating with an autosomal dominant presentation in one family (Wangensteen et al. 2009. PubMed ID: 19301229), in the homozygous state in two siblings whose parents, severely obese, each were found to be heterozygous for this variant (Mohammed et al. 2023. PubMed ID: 37329217) and it has also been reported to be de novo in an adolescent with morbid/severe obesity (Camtosun et al. 2023. PubMed ID: 34584129). Functional studies show measurable reduction in ligand binding and defective trafficking with very low or absent cell surface expression (Wang et al. 2011. PubMed ID: 21729752; He et al. 2014. PubMed ID: 25332687). This variant has not been reported in a large population database (gnomAD), indicating this variant is rare. Alternate missense changes at the same amino acid position (p.Ile69Thr and Ile69Met) have been reported in individuals undergoing testing for obesity (Internal Data; PreventionGenetics). This variant is interpreted as pathogenic.

Genetic Services Laboratory, University of Chicago
Classification: Pathogenic for Obesity, autosomal dominant. Last evaluated: 2015-04-14. Review status: criteria provided, single submitter. Criteria: ACMG Guidelines, 2015. Collection method: clinical testing. Allele origin: germline. Affected: yes.

NM_005912.3(MC4R):c.206T>G (p.Ile69Arg)

Gene: MC4R (melanocortin 4 receptor; minus strand). Cytogenetic location: 18q21.32.
Variant type: single nucleotide variant.
Coding change: c.206T>G on transcript NM_005912.3 (MANE Select); coding-DNA position 206, T replaced by G.
Protein change: p.Ile69Arg; replaces isoleucine 69 with arginine.
Molecular consequence: missense variant.
Genome position (GRCh38, 1-based): chr18:60,372,144, A>C on the plus strand (T>G on the coding strand, the complement: MC4R is on the minus strand). VCF-style: chr18-60372144-A-C. GRCh37 (hg19) VCF-style: chr18-58039377-A-C.
Other names: short protein forms I69R.
Identifiers: ClinVar variation 211442 (VCV000211442.7), dbSNP rs751160202, ClinGen allele CA209140.